The following is an entry in ClinVar:

NM_000059.4(BRCA2):c.8981C>G (p.Ser2994Ter)

Gene: BRCA2 (BRCA2 DNA repair associated; plus strand). Cytogenetic location: 13q13.1.
Variant type: single nucleotide variant.
Coding change: c.8981C>G on transcript NM_000059.4 (MANE Select); coding-DNA position 8981, C replaced by G.
Protein change: p.Ser2994Ter; replaces serine 2994 with a stop codon.
Molecular consequence: nonsense. On other transcripts: non-coding transcript variant (1), intron variant (1).
Genome position (GRCh38, 1-based): chr13:32,379,777, C>G. VCF-style: chr13-32379777-C-G. GRCh37 (hg19) VCF-style: chr13-32953914-C-G.
Other names: c.8885C>G, p.Ser2962Ter (NM_001406719.1); c.4049C>G, p.Ser1350Ter (NM_001406721.1); c.2564C>G, p.Ser855Ter (NM_001406722.1); c.8981C>G, p.Ser2994Ter (NM_001432077.1); c.8954-24C>G (NM_001406720.1); short protein forms S2994*, S855*, S2962*, S1350*.
Identifiers: ClinVar variation 3722916 (VCV003722916.2).

ClinVar aggregate classification (germline): Pathogenic (1 of 4 stars; one submission).

Conditions:
Hereditary breast ovarian cancer syndrome. Also called: Hereditary breast and ovarian cancer syndrome; Hereditary breast and/or ovarian cancer syndrome; Hereditary breast and ovarian cancer; Hereditary breast and ovarian cancer syndrome (HBOC); Breast and ovarian cancer; BRCA1- and BRCA2-Associated Hereditary Breast and Ovarian Cancer. Identifiers: Orphanet 145, MedGen C0677776, MeSH D061325, MONDO:0003582. Disease mechanism: loss of function.

Submission:

Labcorp Genetics (formerly Invitae), Labcorp
Classification: Pathogenic for Hereditary breast ovarian cancer syndrome. Last evaluated: 2024-10-20. Review status: criteria provided, single submitter. Criteria: Invitae Variant Classification Sherloc (09022015). Collection method: clinical testing. Allele origin: germline.
Comment: This sequence change creates a premature translational stop signal (p.Ser2994*) in the BRCA2 gene. It is expected to result in an absent or disrupted protein product. Loss-of-function variants in BRCA2 are known to be pathogenic (PMID: 20104584). This variant is not present in population databases (gnomAD no frequency). This variant has not been reported in the literature in individuals affected with BRCA2-related conditions. For these reasons, this variant has been classified as Pathogenic.

Literature cited by the submitters: PubMed 20104584.